The following is an entry in ClinVar:

ClinVar aggregate classification (germline): Benign/Likely benign. Review status: criteria provided, multiple submitters, no conflicts (2 of 4 stars). 3 submissions from 3 submitters: Benign (1); Likely benign (2). Last evaluated 2026-01-27.

Conditions:
Lung cancer. Also called: Malignant tumor of lung; Lung cancer, somatic. Identifiers: MedGen C0242379, MONDO:0008903, OMIM 211980.
Hereditary cancer-predisposing syndrome. Also called: Hereditary Cancer Syndrome; Neoplastic Syndromes, Hereditary; Hereditary neoplastic syndrome; Tumor predisposition. Identifiers: Orphanet 140162, MedGen C0027672, MeSH D009386, MONDO:0015356.
EGFR-related lung cancer (EGFR). Identifiers: MedGen CN130014.

Allele frequency attached by ClinVar (database versions not stated): gnomAD exomes below 0.00001.
gnomAD v4.1: 1 of 1,614,238 alleles (0.000062%); highest among the groups gnomAD compares: African/African-American, 0.0013%; no homozygotes.

Submissions (3):

Labcorp Genetics (formerly Invitae), Labcorp
Classification: Likely benign for EGFR-related lung cancer. Last evaluated: 2026-01-27. Review status: criteria provided, single submitter. Criteria: Invitae Variant Classification Sherloc (09022015). Collection method: clinical testing. Allele origin: germline.

Ambry Genetics
Classification: Likely benign for Hereditary cancer-predisposing syndrome. Last evaluated: 2025-02-08. Review status: criteria provided, single submitter. Criteria: Ambry Variant Classification Scheme 2023. Collection method: clinical testing. Allele origin: germline.

Myriad Genetics, Inc.
Classification: Benign for Lung cancer. Last evaluated: 2024-10-16. Review status: criteria provided, single submitter. Criteria: Myriad Autosomal Dominant, Autosomal Recessive and X-Linked Classification Criteria (2023). Collection method: clinical testing. Allele origin: unknown.
Comment: This variant is considered benign. This variant is a silent/synonymous amino acid change and it is not expected to impact splicing.

NM_005228.5(EGFR):c.2152C>T (p.Leu718=)

Gene: EGFR (epidermal growth factor receptor; plus strand). Cytogenetic location: 7p11.2.
Variant type: single nucleotide variant.
Coding change: c.2152C>T on transcript NM_005228.5 (MANE Select); coding-DNA position 2152, C replaced by T.
Protein change: p.Leu718=; no amino-acid change (leucine 718 retained).
Molecular consequence: synonymous variant.
Genome position (GRCh38, 1-based): chr7:55,174,011, C>T. VCF-style: chr7-55174011-C-T. GRCh37 (hg19) VCF-style: chr7-55241704-C-T.
Other names: c.2017C>T, p.Leu673= (NM_001346897.2, NM_001346899.2); c.2152C>T, p.Leu718= (NM_001346898.2); c.1993C>T, p.Leu665= (NM_001346900.2); c.1351C>T, p.Leu451= (NM_001346941.2); c.2152C>T (NM_005228.3).
Identifiers: ClinVar variation 1621002 (VCV001621002.10), dbSNP rs995384345, ClinGen allele CA158931912.
Genomic context (GRCh38, chr7:55,174,011, plus strand): 5'-GCTCCCAACCAAGCTCTCTTGAGGATCTTGAAGGAAACTGAATTCAAAAAGATCAAAGTG[C>T]TGGGCTCCGGTGCGTTCGGCACGGTGTATAAGGTAAGGTCCCTGGCACAGGCCTCTGGGC-3'
Protein context (NP_005219.2, residues 708-728): KETEFKKIKV[Leu718=]GSGAFGTVYK